The following is an entry in ClinVar:

NM_002809.4(PSMD3):c.847_849del (p.Asn283del)

Gene: PSMD3 (proteasome 26S subunit, non-ATPase 3; plus strand). Cytogenetic location: 17q21.1.
Variant type: Deletion.
Coding change: c.847_849del on transcript NM_002809.4 (MANE Select); coding-DNA positions 847 to 849, 3 bases deleted (AAT; older notation c.847_849delAAT).
Protein change: p.Asn283del; deletes asparagine 283.
Molecular consequence: inframe deletion.
Genome position (GRCh38, 1-based): chr17:39,989,899-39,989,901, AAT deleted. VCF-style (leftmost placement, unchanged base first): chr17-39989898-CAAT-C. GRCh37 (hg19) VCF-style: chr17-38146151-CAAT-C.
Other names: short protein forms N283del.
Identifiers: ClinVar variation 2647732 (VCV002647732.24), dbSNP rs768301535, ClinGen allele CA8537417.
Genomic context (GRCh38, chr17:39,989,898, plus strand): 5'-CTTGTACGACCAGGCTGAGAAGCTGGTGTCCAAGTCTGTGTTCCCAGAGCAGGCCAACAA[CAAT>C]GAGTGGGCCAGGTACCTCTACTACACAGGTGAGCAGAGGGGCCCAACCCATAAATCAGAA-3'

ClinVar aggregate classification (germline): Likely benign (1 of 4 stars; one submission).

Allele frequency attached by ClinVar (database versions not stated): TOPMed below 0.00001; gnomAD 0.00001; ExAC 0.00002; gnomAD exomes 0.00002.

Submission:

CeGaT Center for Human Genetics Tuebingen
Classification: Likely benign. Last evaluated: 2022-03-01. Review status: criteria provided, single submitter. Criteria: CeGaT Center For Human Genetics Tuebingen Variant Classification Criteria Version 2. Collection method: clinical testing. Allele origin: germline. Affected: yes. Observed: 1 variant allele.
Comment: PSMD3: PM4:Supporting, BS2